The following is an entry in ClinVar:

NM_144997.7(FLCN):c.450del (p.Phe150fs)

Gene: FLCN (folliculin; minus strand). Cytogenetic location: 17p11.2.
Variant type: Deletion.
Coding change: c.450del on transcript NM_144997.7 (MANE Select); coding-DNA position 450, one base deleted (T; older notation c.450delT).
Protein change: p.Phe150fs; shifts the reading frame from phenylalanine 150.
Molecular consequence: frameshift variant.
Genome position (GRCh38, 1-based): chr17:17,224,090, A deleted on the plus strand (T on the coding strand, the reverse complement: FLCN is on the minus strand); the first of 3 consecutive A bases (chr17:17,224,090-17,224,092); deleting any one gives the same sequence. VCF-style (leftmost placement, unchanged base first): chr17-17224089-CA-C. GRCh37 (hg19) VCF-style: chr17-17127403-CA-C.
Other names: c.504del, p.Phe168fs (NM_001353229.2); c.450del, p.Phe150fs (NM_001353230.2, NM_001353231.2, NM_144606.7); c.450delT (NM_144997.5); short protein forms F150fs, F168fs.
Identifiers: ClinVar variation 5021825 (VCV005021825.1).

ClinVar aggregate classification (germline): Pathogenic (1 of 4 stars; one submission).

Conditions:
Hereditary cancer-predisposing syndrome. Also called: Neoplastic Syndromes, Hereditary; Tumor predisposition; Hereditary neoplastic syndrome; Hereditary Cancer Syndrome. Identifiers: Orphanet 140162, MedGen C0027672, MeSH D009386, MONDO:0015356.

Submission:

Ambry Genetics
Classification: Pathogenic for Hereditary cancer-predisposing syndrome. Last evaluated: 2026-07-07. Review status: criteria provided, single submitter. Criteria: Ambry Variant Classification Scheme 2023. Collection method: clinical testing. Allele origin: germline.
Comment: The c.450delT pathogenic mutation, located in coding exon 3 of the FLCN gene, results from a deletion of one nucleotide at nucleotide position 450, causing a translational frameshift with a predicted alternate stop codon (p.F150Lfs*27). This variant is considered to be rare based on population cohorts in the Genome Aggregation Database (gnomAD). This alteration is expected to result in loss of function by premature protein truncation or nonsense-mediated mRNA decay. As such, this alteration is interpreted as a disease-causing mutation.